The following is an entry in ClinVar:

ClinVar aggregate classification (germline): Pathogenic. Review status: reviewed by expert panel (3 of 4 stars). 4 submissions from 4 submitters: Pathogenic (1). 3 of the submissions do not count toward it. Last evaluated 2016-09-08.

Conditions:
Hereditary cancer-predisposing syndrome. Also called: Tumor predisposition; Hereditary Cancer Syndrome; Neoplastic Syndromes, Hereditary; Hereditary neoplastic syndrome. Identifiers: Orphanet 140162, MedGen C0027672, MeSH D009386, MONDO:0015356.
Breast-ovarian cancer, familial, susceptibility to, 2 (BROVCA2). Also called: BRCA2 Hereditary Breast and Ovarian Cancer. Identifiers: Orphanet 145, MedGen C2675520, MONDO:0012933, OMIM 612555. Disease mechanism: loss of function.

Submissions (4):

Evidence-based Network for the Interpretation of Germline Mutant Alleles (ENIGMA)
Classification: Pathogenic for Breast-ovarian cancer, familial, susceptibility to, 2. Last evaluated: 2016-09-08. Review status: reviewed by expert panel. Criteria: ENIGMA BRCA1/2 Classification Criteria (2015). Collection method: curation. Allele origin: germline.
Comment: Variant allele predicted to encode a truncated non-functional protein.

Ambry Genetics
Classification: Pathogenic for Hereditary cancer-predisposing syndrome. Last evaluated: 2024-05-16. Review status: criteria provided, single submitter. Criteria: Ambry Variant Classification Scheme 2023. Collection method: clinical testing. Allele origin: germline. Not counted in ClinVar's aggregate classification.
Comment: The c.1648dupG pathogenic mutation, located in coding exon 9 of the BRCA2 gene, results from a duplication of G at nucleotide position 1648, causing a translational frameshift with a predicted alternate stop codon (p.E550Gfs*10). This variant is considered to be rare based on population cohorts in the Genome Aggregation Database (gnomAD). This alteration is expected to result in loss of function by premature protein truncation or nonsense-mediated mRNA decay. As such, this alteration is interpreted as a disease-causing mutation.

Consortium of Investigators of Modifiers of BRCA1/2 (CIMBA), c/o University of Cambridge
Classification: Pathogenic for Breast-ovarian cancer, familial, susceptibility to, 2. Last evaluated: 2015-10-02. Review status: criteria provided, single submitter. Criteria: CIMBA Mutation Classification guidelines May 2016. Collection method: clinical testing. Allele origin: germline. Not counted in ClinVar's aggregate classification.

Breast Cancer Information Core (BIC) (BRCA2)
Classification: Pathogenic for Breast-ovarian cancer, familial 2. Last evaluated: 2003-12-23. Review status: no assertion criteria provided. Collection method: clinical testing. Allele origin: germline. Affected: yes. Observed: 1 variant allele. Not counted in ClinVar's aggregate classification.

NM_000059.4(BRCA2):c.1648dup (p.Glu550fs)

Gene: BRCA2 (BRCA2 DNA repair associated; plus strand). Cytogenetic location: 13q13.1.
Variant type: Duplication.
Coding change: c.1648dup on transcript NM_000059.4 (MANE Select); coding-DNA position 1648, one base duplicated (G; older notation c.1648dupG).
Protein change: p.Glu550fs; shifts the reading frame from glutamic acid 550.
Molecular consequence: frameshift variant.
Genome position (GRCh38, 1-based): chr13:32,333,126, G duplicated; the last of 2 consecutive G bases (chr13:32,333,125-32,333,126); duplicating either gives the same sequence. VCF-style (leftmost placement, unchanged base first): chr13-32333124-A-AG. GRCh37 (hg19) VCF-style: chr13-32907261-A-AG.
Other names: 1876insG; c.1648dupG (NM_000059.3); short protein forms E550fs.
Identifiers: ClinVar variation 125951 (VCV000125951.4), dbSNP rs80359296, ClinGen allele CA012780.